The following is an entry in ClinVar:

NM_033118.4(MYLK2):c.1381G>A (p.Asp461Asn)

Gene: MYLK2 (myosin light chain kinase 2; plus strand). Cytogenetic location: 20q11.21.
Variant type: single nucleotide variant.
Coding change: c.1381G>A on transcript NM_033118.4 (MANE Select); coding-DNA position 1381, G replaced by A.
Protein change: p.Asp461Asn; replaces aspartic acid 461 with asparagine.
Molecular consequence: missense variant.
Genome position (GRCh38, 1-based): chr20:31,831,098, G>A. VCF-style: chr20-31831098-G-A. GRCh37 (hg19) VCF-style: chr20-30418901-G-A.
Other names: short protein forms D461N.
Identifiers: ClinVar variation 1521902 (VCV001521902.6), dbSNP rs1222457605, ClinGen allele CA408527756.

ClinVar aggregate classification (germline): Uncertain significance (1 of 4 stars; one submission).

Conditions:
Hypertrophic cardiomyopathy 1 (CMH1). Also called: Familial hypertrophic cardiomyopathy 1; MYH7-Related Familial Hypertrophic Cardiomyopathy. Identifiers: MedGen C3495498, MONDO:0008647, OMIM 192600.

Allele frequency attached by ClinVar (database versions not stated): TOPMed below 0.00001; gnomAD 0.00001; gnomAD exomes below 0.00001 and 0.00001.

Submission:

Labcorp Genetics (formerly Invitae), Labcorp
Classification: Uncertain significance for Hypertrophic cardiomyopathy 1. Last evaluated: 2021-08-29. Review status: criteria provided, single submitter. Criteria: Invitae Variant Classification Sherloc (09022015). Collection method: clinical testing. Allele origin: germline.
Comment: In summary, the available evidence is currently insufficient to determine the role of this variant in disease. Therefore, it has been classified as a Variant of Uncertain Significance. Algorithms developed to predict the effect of missense changes on protein structure and function are either unavailable or do not agree on the potential impact of this missense change (SIFT: "Tolerated"; PolyPhen-2: "Probably Damaging"; Align-GVGD: "Class C0"). This variant has not been reported in the literature in individuals affected with MYLK2-related conditions. This variant is not present in population databases (ExAC no frequency). This sequence change replaces aspartic acid with asparagine at codon 461 of the MYLK2 protein (p.Asp461Asn). The aspartic acid residue is moderately conserved and there is a small physicochemical difference between aspartic acid and asparagine.